The following is an entry in ClinVar:

ClinVar aggregate classification (germline): Conflicting classifications of pathogenicity. Review status: criteria provided, conflicting classifications (1 of 4 stars). 4 submissions from 4 submitters: Uncertain significance (2); Likely benign (1). 1 of the submissions does not count toward it. Last evaluated 2025-11-21.

Conditions:
Hereditary cancer-predisposing syndrome. Also called: Hereditary Cancer Syndrome; Neoplastic Syndromes, Hereditary; Tumor predisposition; Hereditary neoplastic syndrome. Identifiers: Orphanet 140162, MedGen C0027672, MeSH D009386, MONDO:0015356.
Breast-ovarian cancer, familial, susceptibility to, 2 (BROVCA2). Also called: BRCA2 Hereditary Breast and Ovarian Cancer. Identifiers: Orphanet 145, MedGen C2675520, MONDO:0012933, OMIM 612555. Disease mechanism: loss of function.
Hereditary breast ovarian cancer syndrome. Also called: Hereditary breast and/or ovarian cancer syndrome; BRCA1- and BRCA2-Associated Hereditary Breast and Ovarian Cancer; Hereditary breast and ovarian cancer syndrome (HBOC); Hereditary breast and ovarian cancer; Hereditary breast and ovarian cancer syndrome; Breast and ovarian cancer. Identifiers: Orphanet 145, MedGen C0677776, MeSH D061325, MONDO:0003582. Disease mechanism: loss of function.

Allele frequency attached by ClinVar (database versions not stated): gnomAD exomes below 0.00001 and 0.00001; ExAC 0.00001.
gnomAD v4.1: 17 of 1,614,208 alleles (0.0011%); highest among the groups gnomAD compares: Non-Finnish European, 0.0014%; no homozygotes.

Submissions (4):

Labcorp Genetics (formerly Invitae), Labcorp
Classification: Uncertain significance for Hereditary breast ovarian cancer syndrome. Last evaluated: 2025-11-21. Review status: criteria provided, single submitter. Criteria: Invitae Variant Classification Sherloc (09022015). Collection method: clinical testing. Allele origin: germline.
Comment: This sequence change replaces glutamine, which is neutral and polar, with arginine, which is basic and polar, at codon 2731 of the BRCA2 protein (p.Gln2731Arg). This variant is present in population databases (rs753837544, gnomAD 0.0009%). This missense change has been observed in individual(s) with prostate cancer (PMID: 21952622). ClinVar contains an entry for this variant (Variation ID: 231218). Invitae Evidence Modeling of protein sequence and biophysical properties (such as structural, functional, and spatial information, amino acid conservation, physicochemical variation, residue mobility, and thermodynamic stability) indicates that this missense variant is not expected to disrupt BRCA2 protein function with a negative predictive value of 95%. In summary, the available evidence is currently insufficient to determine the role of this variant in disease. Therefore, it has been classified as a Variant of Uncertain Significance.

Color Diagnostics, LLC DBA Color Health
Classification: Uncertain significance for Hereditary cancer-predisposing syndrome. Last evaluated: 2025-05-13. Review status: criteria provided, single submitter. Criteria: ACMG Guidelines, 2015. Collection method: clinical testing. Allele origin: germline.
Comment: This missense variant replaces glutamine with arginine at codon 2731 of the BRCA2 protein. Computational prediction is inconclusive regarding the impact of this variant on protein structure and function. Functional studies reported that this variant does not impact BRCA2 function in a haploid cell proliferation assay (PMID: 39779857) and in cisplatin and PARP inhibitor sensitivity assays in Brca2-deficient mouse embryonic stem cells (PMID: 39779848). This variant has been reported in an individual affected with prostate cancer (PMID: 21952622), and it has been detected in a breast cancer case-control meta-analysis in 1/60466 cases and 2/53461 unaffected individuals (PMID: 33471991Leiden Open Variation Database DB-ID BRCA2_007476). This variant has been identified in 17/1614208 chromosomes in the general population by the Genome Aggregation Database (gnomAD v4.1.0). Although there is a suspicion that this variant may not be associated with disease, additional clinical studies are necessary to determine the role of this variant in disease conclusively. Therefore, this variant is classified as a Variant of Uncertain Significance.

Ambry Genetics
Classification: Likely benign for Hereditary cancer-predisposing syndrome. Last evaluated: 2018-11-15. Review status: criteria provided, single submitter. Criteria: Ambry Variant Classification Scheme 2023. Collection method: clinical testing. Allele origin: germline.

Sharing Clinical Reports Project (SCRP)
Classification: Uncertain significance for Breast-ovarian cancer, familial 2. Last evaluated: 2010-06-22. Review status: no assertion criteria provided. Collection method: clinical testing. Allele origin: germline. Not counted in ClinVar's aggregate classification.

Literature cited by the submitters: PubMed 21952622 (cited by Labcorp Genetics (formerly Invitae), Labcorp and Color Diagnostics, LLC DBA Color Health); PubMed 33471991 (cited by Color Diagnostics, LLC DBA Color Health); PubMed 39779848 (cited by Color Diagnostics, LLC DBA Color Health); PubMed 39779857 (cited by Color Diagnostics, LLC DBA Color Health).

NM_000059.4(BRCA2):c.8192A>G (p.Gln2731Arg)

Gene: BRCA2 (BRCA2 DNA repair associated; plus strand). Cytogenetic location: 13q13.1.
Variant type: single nucleotide variant.
Coding change: c.8192A>G on transcript NM_000059.4 (MANE Select); coding-DNA position 8192, A replaced by G.
Protein change: p.Gln2731Arg; replaces glutamine 2731 with arginine.
Molecular consequence: missense variant.
Genome position (GRCh38, 1-based): chr13:32,363,394, A>G. VCF-style: chr13-32363394-A-G. GRCh37 (hg19) VCF-style: chr13-32937531-A-G.
Other names: 8420A>G; short protein forms Q2731R.
Identifiers: ClinVar variation 231218 (VCV000231218.18), dbSNP rs753837544, ClinGen allele CA6941197.
Genomic context (GRCh38, chr13:32,363,394, plus strand): 5'-CAGATACCCAAAAAGTGGCCATTATTGAACTTACAGATGGGTGGTATGCTGTTAAGGCCC[A>G]GTTAGATCCTCCCCTCTTAGCTGTCTTAAAGAATGGCAGACTGACAGTTGGTCAGAAGAT-3'
Protein context (NP_000050.3, residues 2721-2741): LTDGWYAVKA[Gln2731Arg]LDPPLLAVLK